The following is an entry in ClinVar:

NM_004612.4(TGFBR1):c.796G>A (p.Asp266Asn)

Gene: TGFBR1 (transforming growth factor beta receptor 1; plus strand). Cytogenetic location: 9q22.33.
Variant type: single nucleotide variant.
Coding change: c.796G>A on transcript NM_004612.4 (MANE Select); coding-DNA position 796, G replaced by A.
Protein change: p.Asp266Asn; replaces aspartic acid 266 with asparagine.
Molecular consequence: missense variant.
Genome position (GRCh38, 1-based): chr9:99,138,080, G>A. VCF-style: chr9-99138080-G-A. GRCh37 (hg19) VCF-style: chr9-101900362-G-A.
Other names: c.565G>A, p.Asp189Asn (NM_001130916.3); c.808G>A, p.Asp270Asn (NM_001306210.2); short protein forms D266N, D189N, D270N.
Identifiers: ClinVar variation 408567 (VCV000408567.9), dbSNP rs1060502043, ClinGen allele CA16612966.

ClinVar aggregate classification (germline): Uncertain significance (1 of 4 stars; one submission).

Conditions:
Familial thoracic aortic aneurysm and aortic dissection (TAAD). Also called: Thoracic aortic aneurysms and dissections. Identifiers: Orphanet 91387, MedGen C4707243, MONDO:0019625.

Submission:

Labcorp Genetics (formerly Invitae), Labcorp
Classification: Uncertain significance for Familial thoracic aortic aneurysm and aortic dissection. Last evaluated: 2016-07-18. Review status: criteria provided, single submitter. Criteria: Invitae Variant Classification Sherloc (09022015). Collection method: clinical testing. Allele origin: germline.
Comment: In summary, this variant is a rare missense change with uncertain impact on protein function. It is not expected to cause disease, but the available evidence is currently insufficient to prove that conclusively. Therefore, it has been classified as a Variant of Uncertain Significance. Algorithms developed to predict the effect of missense changes on protein structure and function do not agree on the potential impact of this missense change (SIFT: "Deleterious"; PolyPhen-2: "Probably Damaging"; Align-GVGD: "Class C15"). This variant is not present in population databases (ExAC no frequency) and has not been reported in the literature in individuals with a TGFBR1-related disease. This sequence change replaces aspartic acid with asparagine at codon 266 of the TGFBR1 protein (p.Asp266Asn). The aspartic acid residue is highly conserved and there is a small physicochemical difference between aspartic acid and asparagine.